The following is an entry in ClinVar:

ClinVar aggregate classification (germline): Uncertain significance (1 of 4 stars; one submission).

Conditions:
Long QT syndrome (LQTS). Identifiers: MedGen C0023976, MeSH D008133, MONDO:0002442. Disease mechanism: loss of function. Inheritance: Various modes of inheritance.

Submission:

Labcorp Genetics (formerly Invitae), Labcorp
Classification: Uncertain significance for Long QT syndrome. Last evaluated: 2018-03-08. Review status: criteria provided, single submitter. Criteria: Invitae Variant Classification Sherloc (09022015). Collection method: clinical testing. Allele origin: germline.
Comment: This sequence change replaces phenylalanine with leucine at codon 261 of the ANK2 protein (p.Phe261Leu). The phenylalanine residue is moderately conserved and there is a small physicochemical difference between phenylalanine and leucine. This variant is not present in population databases (ExAC no frequency). This variant has not been reported in the literature in individuals with ANK2-related disease. Algorithms developed to predict the effect of missense changes on protein structure and function do not agree on the potential impact of this missense change (SIFT: "Deleterious"; PolyPhen-2: "Probably Damaging"; Align-GVGD: "Class C0"). In summary, the available evidence is currently insufficient to determine the role of this variant in disease. Therefore, it has been classified as a Variant of Uncertain Significance.

NM_001148.6(ANK2):c.781T>C (p.Phe261Leu)

Gene: ANK2 (ankyrin 2; plus strand). Cytogenetic location: 4q26.
Variant type: single nucleotide variant.
Coding change: c.781T>C on transcript NM_001148.6 (MANE Select); coding-DNA position 781, T replaced by C.
Protein change: p.Phe261Leu; replaces phenylalanine 261 with leucine.
Molecular consequence: missense variant.
Genome position (GRCh38, 1-based): chr4:113,240,572, T>C. VCF-style: chr4-113240572-T-C. GRCh37 (hg19) VCF-style: chr4-114161728-T-C.
Other names: c.718T>C, p.Phe240Leu (NM_001127493.3, NM_001354239.2, NM_001354243.2 and 14 more transcripts); c.781T>C, p.Phe261Leu (NM_001354225.2, NM_001354228.2, NM_001354232.2 and 9 more transcripts); c.826T>C, p.Phe276Leu (NM_001354230.2, NM_001354231.2, NM_001354237.2 and 5 more transcripts); c.694T>C, p.Phe232Leu (NM_001354249.2, NM_001354260.2, NM_001354264.2 and 16 more transcripts); c.739T>C, p.Phe247Leu (NM_001354261.2, NM_001386147.1, NM_001386160.1); c.769T>C, p.Phe257Leu (NM_001354269.3, NM_001386148.2, NM_001386186.2); c.832T>C, p.Phe278Leu (NM_001386174.1); c.808T>C, p.Phe270Leu (NM_001386175.1); and 1 more; short protein forms F261L, F240L, F232L, F247L, F257L, F276L, F249L, F270L.
Identifiers: ClinVar variation 573423 (VCV000573423.5), dbSNP rs1563105054, ClinGen allele CA357919007.